The following is an entry in ClinVar:

ClinVar aggregate classification (germline): Uncertain significance. Review status: criteria provided, multiple submitters, no conflicts (2 of 4 stars). 2 submissions from 2 submitters: Uncertain significance (2). Last evaluated 2025-08-03.

Conditions:
Inborn genetic diseases. Identifiers: MedGen C0950123, MeSH D030342.
Glycine encephalopathy. Also called: Nonketotic hyperglycinemia; Non-ketotic hyperglycinemia. Identifiers: Orphanet 407, MedGen C0751748, MONDO:0011612, HP:0008288.

Allele frequency attached by ClinVar (database versions not stated): TOPMed below 0.00001; gnomAD 0.00001; gnomAD exomes 0.00002 and 0.00003; ExAC 0.00007.

Submissions (2):

Ambry Genetics
Classification: Uncertain significance for Inborn genetic diseases. Last evaluated: 2025-08-03. Review status: criteria provided, single submitter. Criteria: Ambry Variant Classification Scheme 2023. Collection method: clinical testing. Allele origin: germline.

Labcorp Genetics (formerly Invitae), Labcorp
Classification: Uncertain significance for Glycine encephalopathy. Last evaluated: 2023-11-27. Review status: criteria provided, single submitter. Criteria: Invitae Variant Classification Sherloc (09022015). Collection method: clinical testing. Allele origin: germline.
Comment: This sequence change replaces methionine, which is neutral and non-polar, with isoleucine, which is neutral and non-polar, at codon 324 of the AMT protein (p.Met324Ile). This variant is present in population databases (rs773215128, gnomAD 0.008%). This variant has not been reported in the literature in individuals affected with AMT-related conditions. ClinVar contains an entry for this variant (Variation ID: 1363253). Advanced modeling of protein sequence and biophysical properties (such as structural, functional, and spatial information, amino acid conservation, physicochemical variation, residue mobility, and thermodynamic stability) performed at Invitae indicates that this missense variant is not expected to disrupt AMT protein function with a negative predictive value of 95%. In summary, the available evidence is currently insufficient to determine the role of this variant in disease. Therefore, it has been classified as a Variant of Uncertain Significance.

NM_000481.4(AMT):c.972G>A (p.Met324Ile)

Gene: AMT (aminomethyltransferase; minus strand). Cytogenetic location: 3p21.31.
Variant type: single nucleotide variant.
Coding change: c.972G>A on transcript NM_000481.4 (MANE Select); coding-DNA position 972, G replaced by A.
Protein change: p.Met324Ile; replaces methionine 324 with isoleucine.
Molecular consequence: missense variant. On other transcripts: non-coding transcript variant (1).
Genome position (GRCh38, 1-based): chr3:49,417,879, C>T on the plus strand (G>A on the coding strand, the complement: AMT is on the minus strand). VCF-style: chr3-49417879-C-T. GRCh37 (hg19) VCF-style: chr3-49455312-C-T.
Other names: c.840G>A, p.Met280Ile (NM_001164710.2); c.804G>A, p.Met268Ile (NM_001164711.2); c.972G>A, p.Met324Ile (NM_001164712.2); c.972G>A (NM_000481.3); short protein forms M324I, M268I, M280I.
Identifiers: ClinVar variation 1363253 (VCV001363253.7), dbSNP rs773215128, ClinGen allele CA2398190.